The following is an entry in ClinVar:

NM_144631.6(ZNF513):c.130C>G (p.Leu44Val)

Gene: ZNF513 (zinc finger protein 513; minus strand). Cytogenetic location: 2p23.3.
Variant type: single nucleotide variant.
Coding change: c.130C>G on transcript NM_144631.6 (MANE Select); coding-DNA position 130, C replaced by G.
Protein change: p.Leu44Val; replaces leucine 44 with valine.
Molecular consequence: missense variant. On other transcripts: 5 prime UTR variant (1).
Genome position (GRCh38, 1-based): chr2:27,380,174, G>C on the plus strand (C>G on the coding strand, the complement: ZNF513 is on the minus strand). VCF-style: chr2-27380174-G-C. GRCh37 (hg19) VCF-style: chr2-27603041-G-C.
Other names: c.130C>G (NM_144631.5); c.-57C>G (NM_001201459.2); short protein forms L44V.
Identifiers: ClinVar variation 1363363 (VCV001363363.10), dbSNP rs200880145, ClinGen allele CA1578149.

ClinVar aggregate classification (germline): Uncertain significance. Review status: criteria provided, multiple submitters, no conflicts (2 of 4 stars). 3 submissions from 3 submitters: Uncertain significance (3). Last evaluated 2025-04-14.

Allele frequency attached by ClinVar (database versions not stated): ExAC 0.00001; gnomAD 0.00001 and 0.00002; gnomAD exomes 0.00003; TOPMed 0.00004; 1000 Genomes Project 0.00040; 1000 Genomes Project 30x 0.00047.

Submissions (3):

Labcorp Genetics (formerly Invitae), Labcorp
Classification: Uncertain significance. Last evaluated: 2025-04-14. Review status: criteria provided, single submitter. Criteria: Invitae Variant Classification Sherloc (09022015). Collection method: clinical testing. Allele origin: germline.
Comment: This sequence change replaces leucine, which is neutral and non-polar, with valine, which is neutral and non-polar, at codon 44 of the ZNF513 protein (p.Leu44Val). This variant is present in population databases (rs200880145, gnomAD 0.03%). This variant has not been reported in the literature in individuals affected with ZNF513-related conditions. ClinVar contains an entry for this variant (Variation ID: 1363363). An algorithm developed to predict the effect of missense changes on protein structure and function (PolyPhen-2) suggests that this variant is likely to be tolerated. In summary, the available evidence is currently insufficient to determine the role of this variant in disease. Therefore, it has been classified as a Variant of Uncertain Significance.

Ambry Genetics
Classification: Uncertain significance. Last evaluated: 2021-06-18. Review status: criteria provided, single submitter. Criteria: Ambry Variant Classification Scheme 2023. Collection method: clinical testing. Allele origin: germline.

Blueprint Genetics
Classification: Uncertain significance. Last evaluated: 2019-09-20. Review status: criteria provided, single submitter. Criteria: ACMG Guidelines, 2015. Collection method: clinical testing. Allele origin: germline.